The following is an entry in ClinVar:

ClinVar aggregate classification (germline): Uncertain significance. Review status: criteria provided, multiple submitters, no conflicts (2 of 4 stars). 2 submissions from 2 submitters: Uncertain significance (2). Last evaluated 2025-11-10.

Conditions:
Hereditary cancer-predisposing syndrome. Also called: Neoplastic Syndromes, Hereditary; Hereditary neoplastic syndrome; Tumor predisposition; Hereditary Cancer Syndrome. Identifiers: Orphanet 140162, MedGen C0027672, MeSH D009386, MONDO:0015356.
Renal cell carcinoma. Identifiers: Orphanet 217071, MedGen C0007134, MeSH D002292, MONDO:0005086, HP:0005584.

Submissions (2):

Labcorp Genetics (formerly Invitae), Labcorp
Classification: Uncertain significance for Renal cell carcinoma. Last evaluated: 2025-11-10. Review status: criteria provided, single submitter. Criteria: Invitae Variant Classification Sherloc (09022015). Collection method: clinical testing. Allele origin: germline.
Comment: This sequence change replaces threonine, which is neutral and polar, with serine, which is neutral and polar, at codon 511 of the MET protein (p.Thr511Ser). This variant is not present in population databases (gnomAD no frequency). This variant has not been reported in the literature in individuals affected with MET-related conditions. ClinVar contains an entry for this variant (Variation ID: 524855). Invitae Evidence Modeling of protein sequence and biophysical properties (such as structural, functional, and spatial information, amino acid conservation, physicochemical variation, residue mobility, and thermodynamic stability) indicates that this missense variant is not expected to disrupt MET protein function with a negative predictive value of 80%. In summary, the available evidence is currently insufficient to determine the role of this variant in disease. Therefore, it has been classified as a Variant of Uncertain Significance.

Ambry Genetics
Classification: Uncertain significance for Hereditary cancer-predisposing syndrome. Last evaluated: 2025-05-24. Review status: criteria provided, single submitter. Criteria: Ambry Variant Classification Scheme 2023. Collection method: clinical testing. Allele origin: germline.
Comment: The p.T511S variant (also known as c.1531A>T), located in coding exon 4 of the MET gene, results from an A to T substitution at nucleotide position 1531. The threonine at codon 511 is replaced by serine, an amino acid with similar properties. This amino acid position is conserved. In addition, this alteration is predicted to be tolerated by in silico analysis. Based on the available evidence, the clinical significance of this variant remains unclear.

NM_000245.4(MET):c.1531A>T (p.Thr511Ser)

Gene: MET (MET proto-oncogene, receptor tyrosine kinase; plus strand). Cytogenetic location: 7q31.2.
Variant type: single nucleotide variant.
Coding change: c.1531A>T on transcript NM_000245.4 (MANE Select); coding-DNA position 1531, A replaced by T.
Protein change: p.Thr511Ser; replaces threonine 511 with serine.
Molecular consequence: missense variant.
Genome position (GRCh38, 1-based): chr7:116,740,855, A>T. VCF-style: chr7-116740855-A-T. GRCh37 (hg19) VCF-style: chr7-116380909-A-T.
Other names: c.1531A>T, p.Thr511Ser (NM_001127500.3, NM_001324401.3); c.241A>T, p.Thr81Ser (NM_001324402.2); short protein forms T511S, T81S.
Identifiers: ClinVar variation 524855 (VCV000524855.11), dbSNP rs1181927481, ClinGen allele CA368974888.